The following is an entry in ClinVar:

ClinVar aggregate classification (germline): Likely benign. Review status: criteria provided, multiple submitters, no conflicts (2 of 4 stars). 4 submissions from 4 submitters: Likely benign (3). 1 of the submissions does not count toward it. Last evaluated 2025-06-17.

Conditions:
TUBB3-related disorder. Also called: TUBB3-related disorders; TUBB3-related condition.

Allele frequency attached by ClinVar (database versions not stated): ExAC 0.00007; gnomAD 0.00007 and 0.00009; TOPMed 0.00011; ESP Exome Variant Server 0.00046.
gnomAD v4.1: 53 of 1,614,012 alleles (0.0033%); highest among the groups gnomAD compares: South Asian, 0.016%; no homozygotes.

Submissions (4):

Labcorp Genetics (formerly Invitae), Labcorp
Classification: Likely benign. Last evaluated: 2025-06-17. Review status: criteria provided, single submitter. Criteria: Invitae Variant Classification Sherloc (09022015). Collection method: clinical testing. Allele origin: germline.

Blueprint Genetics
Classification: Likely benign. Last evaluated: 2024-05-06. Review status: criteria provided, single submitter. Criteria: ACMG Guidelines, 2015. Collection method: clinical testing. Allele origin: germline.

Genetic Services Laboratory, University of Chicago
Classification: Likely benign. Last evaluated: 2019-01-22. Review status: criteria provided, single submitter. Criteria: ACMG Guidelines, 2015. Collection method: clinical testing. Allele origin: germline. Affected: no.

PreventionGenetics, part of Exact Sciences
Classification: Likely benign for TUBB3-related condition. Last evaluated: 2019-11-16. Review status: no assertion criteria provided. Collection method: clinical testing. Allele origin: germline. Not counted in ClinVar's aggregate classification.
Comment: This variant is classified as likely benign based on ACMG/AMP sequence variant interpretation guidelines (Richards et al. 2015 PMID: 25741868, with internal and published modifications).

NM_006086.4(TUBB3):c.534G>A (p.Thr178=)

Gene: TUBB3 (tubulin beta 3 class III; plus strand). Cytogenetic location: 16q24.3.
Variant type: single nucleotide variant.
Coding change: c.534G>A on transcript NM_006086.4 (MANE Select); coding-DNA position 534, G replaced by A.
Protein change: p.Thr178=; no amino-acid change (threonine 178 retained).
Molecular consequence: synonymous variant.
Genome position (GRCh38, 1-based): chr16:89,934,985, G>A. VCF-style: chr16-89934985-G-A. GRCh37 (hg19) VCF-style: chr16-90001393-G-A.
Other names: c.318G>A, p.Thr106= (NM_001197181.2).
Identifiers: ClinVar variation 1337025 (VCV001337025.10), dbSNP rs143029958, ClinGen allele CA8256124.
Genomic context (GRCh38, chr16:89,934,985, plus strand): 5'-GTATCCCGACCGCATCATGAACACCTTCAGCGTCGTGCCCTCACCCAAGGTGTCAGACAC[G>A]GTGGTGGAGCCCTACAACGCCACGCTGTCCATCCACCAGCTGGTGGAGAACACGGATGAG-3'
Protein context (NP_006077.2, residues 168-188): SVVPSPKVSD[Thr178=]VVEPYNATLS